The following is an entry in ClinVar:

NM_025114.4(CEP290):c.6371G>A (p.Gly2124Glu)

Gene: CEP290 (centrosomal protein 290; minus strand). Cytogenetic location: 12q21.32.
Variant type: single nucleotide variant.
Coding change: c.6371G>A on transcript NM_025114.4 (MANE Select); coding-DNA position 6371, G replaced by A.
Protein change: p.Gly2124Glu; replaces glycine 2124 with glutamic acid.
Molecular consequence: missense variant.
Genome position (GRCh38, 1-based): chr12:88,060,981, C>T on the plus strand (G>A on the coding strand, the complement: CEP290 is on the minus strand). VCF-style: chr12-88060981-C-T. GRCh37 (hg19) VCF-style: chr12-88454758-C-T.
Other names: short protein forms G2124E.
Identifiers: ClinVar variation 967948 (VCV000967948.6), dbSNP rs752851135, ClinGen allele CA241147785.

ClinVar aggregate classification (germline): Uncertain significance. Review status: criteria provided, multiple submitters, no conflicts (2 of 4 stars). 4 submissions from 4 submitters: Uncertain significance (3). 1 of the submissions does not count toward it. Last evaluated 2026-04-16.

Conditions:
CEP290-related ciliopathy. Also called: CEP290 ciliopathy. Identifiers: MedGen CN305601, MONDO:0100451.
CEP290-related disorder. Also called: CEP290-related condition; CEP290-related disorders. Identifiers: MedGen CN239314.
Leber congenital amaurosis (LCA). Also called: Leber's amaurosis. Identifiers: Orphanet 65, MedGen C0339527, MeSH D057130, MONDO:0018998.
Nephronophthisis. Also called: Juvenile Nephronophthisis. Identifiers: Orphanet 655, MedGen C0687120, MONDO:0019005, HP:0000090.
Meckel-Gruber syndrome. Also called: GRUBER SYNDROME; Dysencephalia splachnocystica; DYSENCEPHALIA SPLANCHNOCYSTICA. Identifiers: Orphanet 564, MedGen C0265215, MONDO:0018921.
Joubert syndrome. Also called: Familial aplasia of the vermis; JOUBERT-BOLTSHAUSER SYNDROME. Identifiers: Orphanet 475, MedGen C5979921, MONDO:0018772.

Allele frequency attached by ClinVar (database versions not stated): gnomAD 0.00001; gnomAD exomes 0.00001 and 0.00002; TOPMed 0.00002.
gnomAD v4.1: 18 of 1,552,170 alleles (0.0012%); highest among the groups gnomAD compares: Admixed American, 0.002%; no homozygotes.

Submissions (4):

PreventionGenetics, part of Exact Sciences
Classification: Uncertain significance for CEP290-related condition. Last evaluated: 2026-04-16. Review status: criteria provided, single submitter. Criteria: ACMG Guidelines, 2015. Collection method: clinical testing. Allele origin: germline.
Comment: The CEP290 c.6371G>A variant is predicted to result in the amino acid substitution p.Gly2124Glu. This variant has been reported in an individual with obesity (Table S1, Roberts et al. 2022. PubMed ID: 35562395). This variant is reported in 0.0042% of alleles in individuals of European (Non-Finnish) descent in gnomAD. At this time, the clinical significance of this variant is uncertain due to the absence of conclusive functional and genetic evidence.

Labcorp Genetics (formerly Invitae), Labcorp
Classification: Uncertain significance for Joubert syndrome; Meckel-Gruber syndrome; Nephronophthisis. Last evaluated: 2022-10-24. Review status: criteria provided, single submitter. Criteria: Invitae Variant Classification Sherloc (09022015). Collection method: clinical testing. Allele origin: germline.
Comment: This sequence change replaces glycine, which is neutral and non-polar, with glutamic acid, which is acidic and polar, at codon 2124 of the CEP290 protein (p.Gly2124Glu). This variant is present in population databases (rs752851135, gnomAD 0.004%). This variant has not been reported in the literature in individuals affected with CEP290-related conditions. ClinVar contains an entry for this variant (Variation ID: 967948). Advanced modeling of protein sequence and biophysical properties (such as structural, functional, and spatial information, amino acid conservation, physicochemical variation, residue mobility, and thermodynamic stability) performed at Invitae indicates that this missense variant is not expected to disrupt CEP290 protein function. In summary, the available evidence is currently insufficient to determine the role of this variant in disease. Therefore, it has been classified as a Variant of Uncertain Significance.

Department of Pathology and Laboratory Medicine, Sinai Health System
Classification: Uncertain significance for CEP290-related ciliopathy. Last evaluated: 2021-11-08. Review status: criteria provided, single submitter. Criteria: ACMG Guidelines, 2015. Collection method: research. Allele origin: germline.

Natera, Inc.
Classification: Uncertain significance for Leber congenital amaurosis. Last evaluated: 2020-01-24. Review status: no assertion criteria provided. Collection method: clinical testing. Allele origin: germline. Not counted in ClinVar's aggregate classification.